The following is an entry in ClinVar:

CM000668.1:g.147685480_147723577dup

Gene: STXBP5 (syntaxin binding protein 5; plus strand). Cytogenetic location: 6q24.3.
Variant type: Duplication.
Identifiers: ClinVar variation 157030 (VCV000157030.2).

ClinVar aggregate classification (germline): not provided (0 of 4 stars; one submission).

Conditions:
Normal pregnancy. Identifiers: MedGen C0232989.

Submission:

Institute of Molecular and Cell Biology, University of Tartu
No classification provided. Condition: Normal pregnancy. Review status: no classification provided. Collection method: case-control. Allele origin: unknown. Affected: yes. Study: Kasak2014.
Comment: The study aimed to determine the contribution of copy number variants in the genetic etiology of normal and complicated pregnancies. The samples represented (i) maternal blood DNA drawn from healthy pregnant women during 1st or 2nd trimester and (ii) maternal and paternal blood DNA drawn at term pregnancy cases representing normal and complicated gestations (severe preeclampsia, PE; gestational diabetes, GD; small-for-gestational age newborn, SGA; large-for-gestational age newborn, LGA). We performed CNV calling based on genome-wide genotyping dataset (Illumina HumanOmniExpress-24-v1 BeadChip) by applying three algorithms, QuantiSNP, GADA (Genome Alteration Detection Algorithm) and CNstream in parallel. The acquired CNV calls were merged with HD-CNV (Hotspot Detector for Copy Number Variants) program and only the CNVs predicted by at least two programs, were considered in subsequent analysis.

Literature cited by the submitters: PubMed 25666259.